The following is an entry in ClinVar:

ClinVar aggregate classification (germline): Uncertain significance (0 of 4 stars; one submission).

gnomAD v4.1: 1 of 1,614,188 alleles (0.000062%); highest among the groups gnomAD compares: Non-Finnish European, 0.000085%; no homozygotes.

Submission:

Leiden Open Variation Database
Classification: Uncertain significance. Last evaluated: 2021-04-06. Review status: no assertion criteria provided. Collection method: curation. Allele origin: germline. Affected: yes.
Comment: Curator: Global Variome, with Curator vacancy. Submitter to LOVD: Manon Peeters.

Literature cited by the submitters: PubMed 23484092.

NM_000322.5(PRPH2):c.116T>C (p.Leu39Pro)

Gene: PRPH2 (peripherin 2; minus strand). Cytogenetic location: 6p21.1.
Variant type: single nucleotide variant.
Coding change: c.116T>C on transcript NM_000322.5 (MANE Select); coding-DNA position 116, T replaced by C.
Protein change: p.Leu39Pro; replaces leucine 39 with proline.
Molecular consequence: missense variant.
Genome position (GRCh38, 1-based): chr6:42,722,219, A>G on the plus strand (T>C on the coding strand, the complement: PRPH2 is on the minus strand). VCF-style: chr6-42722219-A-G. GRCh37 (hg19) VCF-style: chr6-42689957-A-G.
Other names: short protein forms L39P.
Identifiers: ClinVar variation 1175249 (VCV001175249.1), dbSNP rs2152011095, ClinGen allele CA364138738.
Genomic context (GRCh38, chr6:42,722,219, plus strand): 5'-AAATGGCTCTCAGAATTATTCATCACATCGCTCCTCTTTCGGAGTTCAATCTTCAGGAAC[A>G]GTCCTAGGCTGAAGATGATGATGCCAGCCAACACGGAGAACCAGTTCATGAGCCAGAGCC-3'
Protein context (NP_000313.2, residues 29-49): LAGIIIFSLG[Leu39Pro]FLKIELRKRS